The following is an entry in ClinVar:

NM_021229.4(NTN4):c.74G>T (p.Gly25Val)

Gene: NTN4 (netrin 4; minus strand). Cytogenetic location: 12q22.
Variant type: single nucleotide variant.
Coding change: c.74G>T on transcript NM_021229.4 (MANE Select); coding-DNA position 74, G replaced by T.
Protein change: p.Gly25Val; replaces glycine 25 with valine.
Molecular consequence: missense variant. On other transcripts: 5 prime UTR variant (2).
Genome position (GRCh38, 1-based): chr12:95,787,450, C>A on the plus strand (G>T on the coding strand, the complement: NTN4 is on the minus strand). VCF-style: chr12-95787450-C-A. GRCh37 (hg19) VCF-style: chr12-96181228-C-A.
Other names: c.74G>T, p.Gly25Val (NM_001329700.2); c.-38G>T (NM_001329701.2, NM_001329702.2); short protein forms G25V.
Identifiers: ClinVar variation 776902 (VCV000776902.28), dbSNP rs34684875, ClinGen allele CA6726207.
Genomic context (GRCh38, chr12:95,787,450, plus strand): 5'-CGCCCCAAAGCCAAATTTCCCATCCGAGGGTTGCAGGCTTTTTCACAGCGGGAACTCACT[C>A]CAGCTACTCCACTCAGTCCTAAGAAAGGGAAAGCATGCATGATGCAAGACAAACCCATCT-3'
Protein context (NP_067052.2, residues 15-35): VVAAGLSGVA[Gly25Val]VSSRCEKACN

ClinVar aggregate classification (germline): Benign/Likely benign. Review status: criteria provided, multiple submitters, no conflicts (2 of 4 stars). 3 submissions from 3 submitters: Benign (2); Likely benign (1). Last evaluated 2023-01-01.

Allele frequency attached by ClinVar (database versions not stated): 1000 Genomes Project 0.00160; 1000 Genomes Project 30x 0.00172; gnomAD 0.00355 and 0.00356; TOPMed 0.00372; gnomAD exomes 0.00449; ExAC 0.00452; ESP Exome Variant Server 0.00454.
gnomAD v4.1: 7,061 of 1,613,942 alleles (0.44%); highest among the groups gnomAD compares: Middle Eastern, 1.2%; 27 homozygotes.

Submissions (3):

CeGaT Center for Human Genetics Tuebingen
Classification: Likely benign. Last evaluated: 2023-01-01. Review status: criteria provided, single submitter. Criteria: CeGaT Center For Human Genetics Tuebingen Variant Classification Criteria Version 2. Collection method: clinical testing. Allele origin: germline. Affected: yes. Observed: 2 variant alleles.
Comment: NTN4: BS2

Labcorp Genetics (formerly Invitae), Labcorp
Classification: Benign. Last evaluated: 2018-07-11. Review status: criteria provided, single submitter. Criteria: Invitae Variant Classification Sherloc (09022015). Collection method: clinical testing. Allele origin: germline.

Breakthrough Genomics
Classification: Benign. Review status: criteria provided, single submitter. Criteria: ACMG Guidelines, 2015. Collection method: not provided. Allele origin: germline. Inheritance: Unknown mechanism. Affected: yes.